The following is an entry in ClinVar:

ClinVar aggregate classification (germline): Likely benign. Review status: criteria provided, single submitter (1 of 4 stars). 2 submissions from 2 submitters: Likely benign (1). 1 of the submissions does not count toward it. Last evaluated 2024-10-10.

Conditions:
GRIN2D-related disorder. Also called: GRIN2D-related condition.

Allele frequency attached by ClinVar (database versions not stated): gnomAD exomes below 0.00001.
gnomAD v4.1: 3 of 1,609,352 alleles (0.00019%); highest among the groups gnomAD compares: Non-Finnish European, 0.00025%; no homozygotes.

Submissions (2):

Labcorp Genetics (formerly Invitae), Labcorp
Classification: Likely benign. Last evaluated: 2024-10-10. Review status: criteria provided, single submitter. Criteria: Invitae Variant Classification Sherloc (09022015). Collection method: clinical testing. Allele origin: germline.

PreventionGenetics, part of Exact Sciences
Classification: Likely benign for GRIN2D-related condition. Last evaluated: 2019-12-09. Review status: no assertion criteria provided. Collection method: clinical testing. Allele origin: germline. Not counted in ClinVar's aggregate classification.
Comment: This variant is classified as likely benign based on ACMG/AMP sequence variant interpretation guidelines (Richards et al. 2015 PMID: 25741868, with internal and published modifications).

NM_000836.4(GRIN2D):c.2413C>T (p.Leu805=)

Gene: GRIN2D (glutamate ionotropic receptor NMDA type subunit 2D; plus strand). Cytogenetic location: 19q13.33.
Variant type: single nucleotide variant.
Coding change: c.2413C>T on transcript NM_000836.4 (MANE Select); coding-DNA position 2413, C replaced by T.
Protein change: p.Leu805=; no amino-acid change (leucine 805 retained).
Molecular consequence: synonymous variant.
Genome position (GRCh38, 1-based): chr19:48,441,929, C>T. VCF-style: chr19-48441929-C-T. GRCh37 (hg19) VCF-style: chr19-48945186-C-T.
Other names: c.2413C>T (NM_000836.2).
Identifiers: ClinVar variation 1948185 (VCV001948185.7), dbSNP rs2513690624, ClinGen allele CA508042103.